The following is an entry in ClinVar:

ClinVar aggregate classification (germline): Uncertain significance (1 of 4 stars; one submission).

Conditions:
Autosomal dominant Parkinson disease 8. Also called: LRRK2-Related Parkinson Disease; Parkinson disease 8; Parkinson disease 8, susceptibility to. Identifiers: Orphanet 411602, MedGen C1846862, MONDO:0011764, OMIM 607060.

Submission:

Labcorp Genetics (formerly Invitae), Labcorp
Classification: Uncertain significance for Autosomal dominant Parkinson disease 8. Last evaluated: 2022-05-29. Review status: criteria provided, single submitter. Criteria: Invitae Variant Classification Sherloc (09022015). Collection method: clinical testing. Allele origin: germline.
Comment: In summary, the available evidence is currently insufficient to determine the role of this variant in disease. Therefore, it has been classified as a Variant of Uncertain Significance. Algorithms developed to predict the effect of missense changes on protein structure and function (SIFT, PolyPhen-2, Align-GVGD) all suggest that this variant is likely to be tolerated. This variant has not been reported in the literature in individuals affected with LRRK2-related conditions. This variant is not present in population databases (gnomAD no frequency). This sequence change replaces alanine, which is neutral and non-polar, with valine, which is neutral and non-polar, at codon 2195 of the LRRK2 protein (p.Ala2195Val).

NM_198578.4(LRRK2):c.6584C>T (p.Ala2195Val)

Gene: LRRK2 (leucine rich repeat kinase 2; plus strand). Cytogenetic location: 12q12.
Variant type: single nucleotide variant.
Coding change: c.6584C>T on transcript NM_198578.4 (MANE Select); coding-DNA position 6584, C replaced by T.
Protein change: p.Ala2195Val; replaces alanine 2195 with valine.
Molecular consequence: missense variant.
Genome position (GRCh38, 1-based): chr12:40,354,306, C>T. VCF-style: chr12-40354306-C-T. GRCh37 (hg19) VCF-style: chr12-40748108-C-T.
Other names: short protein forms A2195V.
Identifiers: ClinVar variation 1897476 (VCV001897476.5), dbSNP rs1946461777, ClinGen allele CA384408748.